The following is an entry in ClinVar:

NM_000254.3(MTR):c.2789T>G (p.Leu930Ter)

Gene: MTR (5-methyltetrahydrofolate-homocysteine methyltransferase; plus strand). Cytogenetic location: 1q43.
Variant type: single nucleotide variant.
Coding change: c.2789T>G on transcript NM_000254.3 (MANE Select); coding-DNA position 2789, T replaced by G.
Protein change: p.Leu930Ter; replaces leucine 930 with a stop codon.
Molecular consequence: nonsense.
Genome position (GRCh38, 1-based): chr1:236,886,305, T>G. VCF-style: chr1-236886305-T-G. GRCh37 (hg19) VCF-style: chr1-237049605-T-G.
Other names: c.2636T>G, p.Leu879Ter (NM_001291939.1); c.1568T>G, p.Leu523Ter (NM_001291940.2); c.2600T>G, p.Leu867Ter (NM_001410942.1); short protein forms L523*, L867*, L879*, L930*.
Identifiers: ClinVar variation 4881737 (VCV004881737.2).

ClinVar aggregate classification (germline): Likely pathogenic (1 of 4 stars; one submission).

Conditions:
Methylcobalamin deficiency type cblG (HMAG). Also called: HOMOCYSTINURIA-MEGALOBLASTIC ANEMIA DUE TO DEFECT IN COBALAMIN METABOLISM, cblG COMPLEMENTATION TYPE; HOMOCYSTINURIA-MEGALOBLASTIC ANEMIA, cblG COMPLEMENTATION TYPE; Functional methionine synthase deficiency type cblG; HOMOCYSTINURIA-MEGALOBLASTIC ANEMIA, cblG TYPE. Identifiers: Orphanet 2170, Orphanet 622, MedGen C1855128, MONDO:0009609, OMIM 250940.

gnomAD v4.1: 1 of 1,614,002 alleles (0.000062%); highest among the groups gnomAD compares: Non-Finnish European, 0.000085%; no homozygotes.

Submission:

Dasa
Classification: Likely pathogenic for Methylcobalamin deficiency type cblG. Last evaluated: 2025-04-15. Review status: criteria provided, single submitter. Criteria: DASA Assertion Criteria. Collection method: clinical testing. Allele origin: germline.
Comment: NM_000254.3(MTR):c.2789T>G (p.Leu930*) is a nonsense variant in MTR predicted to introduce a premature termination codon and is predicted to result in an absent or altered protein product. Loss of function is an established disease mechanism for MTR-associated disorders. Also, this variant is rare in population databases. Based on the currently available evidence, this variant is classified as likely pathogenic.